The following is an entry in ClinVar:

ClinVar aggregate classification (germline): Benign (1 of 4 stars; one submission).

Conditions:
Fraser syndrome 2 (FRASRS2). Identifiers: MedGen C4540036, MONDO:0054738, OMIM 617666.

Allele frequency attached by ClinVar (database versions not stated): 1000 Genomes Project 0.46446.

Submission:

Illumina Laboratory Services, Illumina
Classification: Benign for Fraser syndrome 2. Last evaluated: 2018-01-13. Review status: criteria provided, single submitter. Criteria: ICSL Variant Classification Criteria 13 December 2019. Collection method: clinical testing. Allele origin: germline.
Comment: This variant was observed in the ICSL laboratory as part of a predisposition screen in an ostensibly healthy population. It had not been previously curated by ICSL or reported in the Human Gene Mutation Database (HGMD: prior to June 1st, 2018), and was therefore a candidate for classification through an automated scoring system. Utilizing variant allele frequency, disease prevalence and penetrance estimates, and inheritance mode, an automated score was calculated to assess if this variant is too frequent to cause the disease. Based on the score and internal cut-off values, a variant classified as benign is not then subjected to further curation. The score for this variant resulted in a classification of benign for this disease.

NM_207361.6(FREM2):c.*5598T>G

Gene: FREM2 (FRAS1 related extracellular matrix 2; plus strand). Cytogenetic location: 13q13.3.
Variant type: single nucleotide variant.
Coding change: c.*5598T>G on transcript NM_207361.6 (MANE Select); 5598 bases downstream of the stop codon, T replaced by G.
Molecular consequence: 3 prime UTR variant.
Genome position (GRCh38, 1-based): chr13:38,886,385, T>G. VCF-style: chr13-38886385-T-G. GRCh37 (hg19) VCF-style: chr13-39460522-T-G.
Identifiers: ClinVar variation 312106 (VCV000312106.5), dbSNP rs1945506, ClinGen allele CA10644477.
Genomic context (GRCh38, chr13:38,886,385, plus strand): 5'-AAAATATATATATACACACACACACACATACACACACATATATGTACATACATATATATA[T>G]AGAGAGAGAGAGATAGATTTTTTTTTTTTGAGACAGAGTTTCGCTCTTGTTGCCCAGGCT-3'